The following is an entry in ClinVar:

ClinVar aggregate classification (germline): Uncertain significance (1 of 4 stars; one submission).

gnomAD v4.1: 2 of 1,613,786 alleles (0.00012%); highest among the groups gnomAD compares: Non-Finnish European, 0.00017%; no homozygotes.

Submission:

Athena Diagnostics
Classification: Uncertain significance. Last evaluated: 2023-11-21. Review status: criteria provided, single submitter. Criteria: Athena Diagnostics Criteria. Collection method: clinical testing. Allele origin: unknown.
Comment: Available data are insufficient to determine the clinical significance of the variant at this time. This variant has not been reported in large, multi-ethnic general populations. Computational tools predict that this variant is not damaging.

NM_001378452.1(ITPR1):c.2911G>C (p.Glu971Gln)

Gene: ITPR1 (inositol 1,4,5-trisphosphate receptor type 1; plus strand). Cytogenetic location: 3p26.1.
Variant type: single nucleotide variant.
Coding change: c.2911G>C on transcript NM_001378452.1 (MANE Select); coding-DNA position 2911, G replaced by C.
Protein change: p.Glu971Gln; replaces glutamic acid 971 with glutamine.
Molecular consequence: missense variant.
Genome position (GRCh38, 1-based): chr3:4,676,745, G>C. VCF-style: chr3-4676745-G-C. GRCh37 (hg19) VCF-style: chr3-4718429-G-C.
Other names: c.2884G>C, p.Glu962Gln (NM_001099952.4); c.2866G>C, p.Glu956Gln (NM_001168272.2); c.2839G>C, p.Glu947Gln (NM_002222.7); short protein forms E956Q, E962Q, E947Q, E971Q.
Identifiers: ClinVar variation 3571761 (VCV003571761.1).
Genomic context (GRCh38, chr3:4,676,745, plus strand): 5'-TTTTTGCCCATGACTCCCATGGCTGCTGCCCCTGAAGGCAATGTGAAGCAGGCAGAGCCT[G>C]AGAAGGAGGACATCATGGTCATGGACACCAAGCTGAAGATCATTGAGATACTCCAGGTAT-3'
Protein context (NP_001365381.1, residues 961-981): PEGNVKQAEP[Glu971Gln]KEDIMVMDTK